The following is an entry in ClinVar:

NM_000218.3(KCNQ1):c.1135T>C (p.Trp379Arg)

Gene: KCNQ1 (potassium voltage-gated channel subfamily Q member 1; plus strand). Cytogenetic location: 11p15.5.
Variant type: single nucleotide variant.
Coding change: c.1135T>C on transcript NM_000218.3 (MANE Select); coding-DNA position 1135, T replaced by C.
Protein change: p.Trp379Arg; replaces tryptophan 379 with arginine.
Molecular consequence: missense variant.
Genome position (GRCh38, 1-based): chr11:2,587,576, T>C. VCF-style: chr11-2587576-T-C. GRCh37 (hg19) VCF-style: chr11-2608806-T-C.
Other names: c.1135T>C (LRG_287t1); c.1039T>C, p.Trp347Arg (NM_001406836.1); c.865T>C, p.Trp289Arg (NM_001406837.1); c.595T>C, p.Trp199Arg (NM_001406838.1); c.754T>C, p.Trp252Arg (NM_181798.2); short protein forms W379R, W252R, W199R, W347R, W289R.
Identifiers: ClinVar variation 67013 (VCV000067013.15), dbSNP rs199472768, ClinGen allele CA005370.

ClinVar aggregate classification (germline): Conflicting classifications of pathogenicity. Review status: criteria provided, conflicting classifications (1 of 4 stars). 6 submissions from 6 submitters: Pathogenic (3); Likely pathogenic (1); Uncertain significance (1). 1 of the submissions does not count toward it. Last evaluated 2025-02-16.

Conditions:
Long QT syndrome (LQTS). Identifiers: MedGen C0023976, MeSH D008133, MONDO:0002442. Disease mechanism: loss of function. Inheritance: Various modes of inheritance.
SUDDEN INFANT DEATH SYNDROME (SIDS). Also called: Sudden Infant Death. Identifiers: MedGen C0038644, MeSH D013398, OMIM 272120.
KCNQ1-related disorder. Also called: KCNQ1-related condition; KCNQ1-related disorders. Identifiers: MedGen CN239322.

Submissions (6):

Laboratory of Genetics, Children's Clinical University Hospital Latvia
Classification: Likely pathogenic. Last evaluated: 2025-02-16. Review status: criteria provided, single submitter. Criteria: ACMG Guidelines, 2015. Collection method: clinical testing. Allele origin: germline. Affected: yes.

Labcorp Genetics (formerly Invitae), Labcorp
Classification: Pathogenic for Long QT syndrome. Last evaluated: 2025-01-31. Review status: criteria provided, single submitter. Criteria: Invitae Variant Classification Sherloc (09022015). Collection method: clinical testing. Allele origin: germline.
Comment: This sequence change replaces tryptophan, which is neutral and slightly polar, with arginine, which is basic and polar, at codon 379 of the KCNQ1 protein (p.Trp379Arg). This variant is not present in population databases (gnomAD no frequency). This missense change has been observed in individuals with long QT syndrome (PMID: 16534005, 26066609; internal data). ClinVar contains an entry for this variant (Variation ID: 67013). Invitae Evidence Modeling of protein sequence and biophysical properties (such as structural, functional, and spatial information, amino acid conservation, physicochemical variation, residue mobility, and thermodynamic stability) indicates that this missense variant is expected to disrupt KCNQ1 protein function with a positive predictive value of 95%. Experimental studies have shown that this missense change affects KCNQ1 function (PMID: 26066609). For these reasons, this variant has been classified as Pathogenic.

GeneDx
Classification: Uncertain significance. Last evaluated: 2024-09-06. Review status: criteria provided, single submitter. Criteria: GeneDx Variant Classification Process June 2021. Collection method: clinical testing. Allele origin: germline. Affected: yes.
Comment: Reported in association with LQTS (PMID: 16534005, 17222736, 26066609); Not observed at significant frequency in large population cohorts (gnomAD); While in vitro functional studies suggest that this variant may impact channel function; however, it is unclear how these studies may translate to a pathogenic role in vivo (PMID: 26066609); In silico analysis supports that this missense variant has a deleterious effect on protein structure/function; This variant is associated with the following publications: (PMID: 31535183, 22677073, 17222736, 26066609, 31892348, 22581653, 16534005)

Blueprint Genetics
Classification: Pathogenic for KCNQ1-related disorders. Last evaluated: 2023-02-15. Review status: criteria provided, single submitter. Criteria: ACMG Guidelines, 2015. Collection method: clinical testing. Allele origin: germline. Affected: yes. Observed: 3 variant alleles.

Molecular Diagnostic Laboratory for Inherited Cardiovascular Disease, Montreal Heart Institute
Classification: Pathogenic for Congenital long QT syndrome. Last evaluated: 2016-05-31. Review status: criteria provided, single submitter. Criteria: ACMG Guidelines, 2015. Collection method: clinical testing. Allele origin: germline. Affected: yes.

Cardiovascular Biomedical Research Unit, Royal Brompton & Harefield NHS Foundation Trust
No classification provided. Condition: SUDDEN INFANT DEATH SYNDROME. Review status: no classification provided. Collection method: literature only. Allele origin: germline. Not counted in ClinVar's aggregate classification.
Comment: This variant has been reported as associated with Sudden infant death syndrome in the following publications (PMID:17222736;PMID:22677073). This is a literature report, and does not necessarily reflect the clinical interpretation of the Imperial College / Royal Brompton Cardiovascular Genetics laboratory.

Literature cited by the submitters: PubMed 16534005 (cited by Labcorp Genetics (formerly Invitae), Labcorp); PubMed 26066609 (cited by Labcorp Genetics (formerly Invitae), Labcorp); PubMed 17222736 (cited by Cardiovascular Biomedical Research Unit, Royal Brompton & Harefield NHS Foundation Trust); PubMed 22677073 (cited by Cardiovascular Biomedical Research Unit, Royal Brompton & Harefield NHS Foundation Trust); PubMed 22581653 (cited by Cardiovascular Biomedical Research Unit, Royal Brompton & Harefield NHS Foundation Trust).